The following is an entry in ClinVar:

NM_030625.3(TET1):c.5053-3C>T

Gene: TET1 (tet methylcytosine dioxygenase 1; plus strand). Cytogenetic location: 10q21.3.
Variant type: single nucleotide variant.
Coding change: c.5053-3C>T on transcript NM_030625.3 (MANE Select); 3 bases into the intron before coding-DNA position 5053, C replaced by T.
Molecular consequence: intron variant.
Genome position (GRCh38, 1-based): chr10:68,686,353, C>T. VCF-style: chr10-68686353-C-T. GRCh37 (hg19) VCF-style: chr10-70446110-C-T.
Other names: NC_000010.10:g.70446110C>T; c.5140-3C>T (NM_001406365.1); c.2647-3C>T (NM_001406373.1); c.2560-3C>T (NM_001406374.1); c.3127-3C>T (NM_001406368.1, NM_001406370.1, NM_001406369.1); c.3040-3C>T (NM_001406371.1, NM_001406372.1); c.784-3C>T (NM_001406375.1); c.3229-3C>T (NM_001406367.1); and 1 more.
Identifiers: ClinVar variation 2640534 (VCV002640534.25), dbSNP rs187179634, ClinGen allele CA5526786.

ClinVar aggregate classification (germline): Likely benign (1 of 4 stars; one submission).

Allele frequency attached by ClinVar (database versions not stated): 1000 Genomes Project 30x 0.00281; 1000 Genomes Project 0.00300; gnomAD 0.00612; ExAC 0.00618; ESP Exome Variant Server 0.00703; TOPMed 0.00751.
gnomAD v4.1: 12,941 of 1,582,988 alleles (0.82%); highest among the groups gnomAD compares: Non-Finnish European, 0.97%; 63 homozygotes.

Submissions (5):

CeGaT Center for Human Genetics Tuebingen
Classification: Likely benign. Last evaluated: 2022-09-01. Review status: criteria provided, single submitter. Criteria: CeGaT Center For Human Genetics Tuebingen Variant Classification Criteria Version 2. Collection method: clinical testing. Allele origin: germline. Affected: yes. Observed: 2 variant alleles.
Comment: TET1: BP4, BS2

Dr. Peter K. Rogan Lab, Western University
No classification provided (evidence only). Condition: Familial cancer of breast. Review status: no classification provided. Collection method: in vitro. Allele origin: not applicable. Functional consequence: retained intron. Not counted in ClinVar's aggregate classification.

Dr. Peter K. Rogan Lab, Western University
No classification provided (evidence only). Condition: Acute myeloid leukemia. Review status: no classification provided. Collection method: in vitro. Allele origin: not applicable. Functional consequence: retained intron. Not counted in ClinVar's aggregate classification.

Dr. Peter K. Rogan Lab, Western University
No classification provided (evidence only). Condition: Sarcoma. Review status: no classification provided. Collection method: in vitro. Allele origin: not applicable. Functional consequence: retained intron. Not counted in ClinVar's aggregate classification.

Dr. Peter K. Rogan Lab, Western University
No classification provided (evidence only). Condition: Adrenocortical carcinoma, hereditary. Review status: no classification provided. Collection method: in vitro. Allele origin: not applicable. Functional consequence: retained intron. Not counted in ClinVar's aggregate classification.